The following is an entry in ClinVar:

ClinVar aggregate classification (germline): Likely benign. Review status: criteria provided, multiple submitters, no conflicts (2 of 4 stars). 3 submissions from 3 submitters: Likely benign (3). Last evaluated 2025-12-17.

Conditions:
COL18A1-related disorder. Also called: COL18A1-related disorders; COL18A1-related condition.

Allele frequency attached by ClinVar (database versions not stated): gnomAD 0.00002 and 0.00003; TOPMed 0.00003; ExAC 0.00005; gnomAD exomes 0.00009.
gnomAD v4.1: 38 of 1,559,068 alleles (0.0024%); highest among the groups gnomAD compares: East Asian, 0.034%; no homozygotes.

Submissions (3):

Labcorp Genetics (formerly Invitae), Labcorp
Classification: Likely benign. Last evaluated: 2025-12-17. Review status: criteria provided, single submitter. Criteria: Invitae Variant Classification Sherloc (09022015). Collection method: clinical testing. Allele origin: germline.

PreventionGenetics, part of Exact Sciences
Classification: Likely benign for COL18A1-related condition. Last evaluated: 2025-11-06. Review status: criteria provided, single submitter. Criteria: ACMG Guidelines, 2015. Collection method: clinical testing. Allele origin: germline.
Comment: This variant is classified as likely benign based on ACMG/AMP sequence variant interpretation guidelines (Richards et al. 2015 PMID: 25741868, with internal and published modifications).

Blueprint Genetics
Classification: Likely benign. Last evaluated: 2024-07-10. Review status: criteria provided, single submitter. Criteria: ACMG Guidelines, 2015. Collection method: clinical testing. Allele origin: germline.

NM_001379500.1(COL18A1):c.2268G>A (p.Pro756=)

Gene: COL18A1 (collagen type XVIII alpha 1 chain; plus strand). Cytogenetic location: 21q22.3.
Variant type: single nucleotide variant.
Coding change: c.2268G>A on transcript NM_001379500.1 (MANE Select); coding-DNA position 2268, G replaced by A.
Protein change: p.Pro756=; no amino-acid change (proline 756 retained).
Molecular consequence: synonymous variant.
Genome position (GRCh38, 1-based): chr21:45,493,216, G>A. VCF-style: chr21-45493216-G-A. GRCh37 (hg19) VCF-style: chr21-46913130-G-A.
Other names: c.2808G>A (NM_030582.3); c.2808G>A, p.Pro936= (NM_030582.4); c.3513G>A, p.Pro1171= (NM_130444.3).
Identifiers: ClinVar variation 1117278 (VCV001117278.11), dbSNP rs771732044, ClinGen allele CA10066960.